The following is an entry in ClinVar:

NM_000400.4(ERCC2):c.1645G>A (p.Val549Met)

Gene: ERCC2 (ERCC excision repair 2, TFIIH core complex helicase subunit; minus strand). Cytogenetic location: 19q13.32.
Variant type: single nucleotide variant.
Coding change: c.1645G>A on transcript NM_000400.4 (MANE Select); coding-DNA position 1645, G replaced by A.
Protein change: p.Val549Met; replaces valine 549 with methionine.
Molecular consequence: missense variant.
Genome position (GRCh38, 1-based): chr19:45,354,750, C>T on the plus strand (G>A on the coding strand, the complement: ERCC2 is on the minus strand). VCF-style: chr19-45354750-C-T. GRCh37 (hg19) VCF-style: chr19-45858008-C-T.
Other names: short protein forms V549M.
Identifiers: ClinVar variation 1001666 (VCV001001666.7), dbSNP rs199778239, ClinGen allele CA9513174.

ClinVar aggregate classification (germline): Uncertain significance (1 of 4 stars; one submission).

Allele frequency attached by ClinVar (database versions not stated): gnomAD exomes 0.00003; TOPMed 0.00002; 1000 Genomes Project 0.00020; 1000 Genomes Project 30x 0.00016; gnomAD 0.00003; ExAC 0.00005.
gnomAD v4.1: 42 of 1,613,950 alleles (0.0026%); highest among the groups gnomAD compares: East Asian, 0.031%; no homozygotes.

Submission:

Labcorp Genetics (formerly Invitae), Labcorp
Classification: Uncertain significance. Last evaluated: 2024-05-16. Review status: criteria provided, single submitter. Criteria: Invitae Variant Classification Sherloc (09022015). Collection method: clinical testing. Allele origin: germline.
Comment: This sequence change replaces valine, which is neutral and non-polar, with methionine, which is neutral and non-polar, at codon 549 of the ERCC2 protein (p.Val549Met). This variant is present in population databases (rs199778239, gnomAD 0.02%). This variant has not been reported in the literature in individuals affected with ERCC2-related conditions. ClinVar contains an entry for this variant (Variation ID: 1001666). Advanced modeling of protein sequence and biophysical properties (such as structural, functional, and spatial information, amino acid conservation, physicochemical variation, residue mobility, and thermodynamic stability) has been performed at Invitae for this missense variant, however the output from this modeling did not meet the statistical confidence thresholds required to predict the impact of this variant on ERCC2 protein function. In summary, the available evidence is currently insufficient to determine the role of this variant in disease. Therefore, it has been classified as a Variant of Uncertain Significance.